The following is an entry in ClinVar:

NM_001110556.2(FLNA):c.2356G>A (p.Ala786Thr)

Gene: FLNA (filamin A; minus strand). Cytogenetic location: Xq28.
Variant type: single nucleotide variant.
Coding change: c.2356G>A on transcript NM_001110556.2 (MANE Select); coding-DNA position 2356, G replaced by A.
Protein change: p.Ala786Thr; replaces alanine 786 with threonine.
Molecular consequence: missense variant.
Genome position (GRCh38, 1-based): chrX:154,362,709, C>T on the plus strand (G>A on the coding strand, the complement: FLNA is on the minus strand). VCF-style: chrX-154362709-C-T. GRCh37 (hg19) VCF-style: chrX-153591077-C-T.
Other names: c.2356G>A, p.Ala786Thr (NM_001456.4); short protein forms A786T.
Identifiers: ClinVar variation 432419 (VCV000432419.5), dbSNP rs1557178354, ClinGen allele CA415237377.

ClinVar aggregate classification (germline): Uncertain significance. Review status: criteria provided, multiple submitters, no conflicts (2 of 4 stars). 2 submissions from 2 submitters: Uncertain significance (2). Last evaluated 2024-07-16.

Conditions:
Heterotopia, periventricular, X-linked dominant (PVNH1). Also called: PERIVENTRICULAR NODULAR HETEROTOPIA 4; HETEROTOPIA, PERIVENTRICULAR, 1; PERIVENTRICULAR NODULAR HETEROTOPIA 1; X-linked periventricular heterotopia. Identifiers: Orphanet 2149, Orphanet 82004, MedGen C1848213, MONDO:0010233, OMIM 300049.
Oto-palato-digital syndrome, type II (OPD2). Also called: Otopalatodigital Syndrome, Type II; Otopalatodigital Syndrome Type 2 (FLNA-OPD2); FACIOPALATOOSSEOUS SYNDROME; OPD II SYNDROME. Identifiers: Orphanet 669, Orphanet 90652, MedGen C1844696, MONDO:0010571, OMIM 304120.
Frontometaphyseal dysplasia (FMD1). Identifiers: Orphanet 1826, MedGen C0265293, MONDO:0015942.
Melnick-Needles syndrome (MNS). Also called: Melnick-Needles Syndrome (FLNA-MNS); MELNICK-NEEDLES OSTEODYSPLASTY; OSTEODYSPLASTY OF MELNICK AND NEEDLES. Identifiers: Orphanet 2484, MedGen C0025237, MONDO:0010650, OMIM 309350.

Submissions (2):

Labcorp Genetics (formerly Invitae), Labcorp
Classification: Uncertain significance for Oto-palato-digital syndrome, type II; Heterotopia, periventricular, X-linked dominant; Frontometaphyseal dysplasia; Melnick-Needles syndrome. Last evaluated: 2024-07-16. Review status: criteria provided, single submitter. Criteria: Invitae Variant Classification Sherloc (09022015). Collection method: clinical testing. Allele origin: germline.
Comment: This sequence change replaces alanine, which is neutral and non-polar, with threonine, which is neutral and polar, at codon 786 of the FLNA protein (p.Ala786Thr). This variant is not present in population databases (gnomAD no frequency). This variant has not been reported in the literature in individuals affected with FLNA-related conditions. ClinVar contains an entry for this variant (Variation ID: 432419). Advanced modeling of protein sequence and biophysical properties (such as structural, functional, and spatial information, amino acid conservation, physicochemical variation, residue mobility, and thermodynamic stability) performed at Invitae indicates that this missense variant is not expected to disrupt FLNA protein function with a negative predictive value of 95%. In summary, the available evidence is currently insufficient to determine the role of this variant in disease. Therefore, it has been classified as a Variant of Uncertain Significance.

GeneDx
Classification: Uncertain significance. Last evaluated: 2019-10-13. Review status: criteria provided, single submitter. Criteria: GeneDx Variant Classification Process June 2021. Collection method: clinical testing. Allele origin: germline. Affected: yes.
Comment: Not observed in large population cohorts (Lek et al., 2016); In silico analysis, which includes protein predictors and evolutionary conservation, supports a deleterious effect; Has not been previously published as pathogenic or benign to our knowledge